The following is an entry in ClinVar:

NM_004787.4(SLIT2):c.104C>T (p.Ser35Leu)

Gene: SLIT2 (slit guidance ligand 2; plus strand). Cytogenetic location: 4p15.31.
Variant type: single nucleotide variant.
Coding change: c.104C>T on transcript NM_004787.4 (MANE Select); coding-DNA position 104, C replaced by T.
Protein change: p.Ser35Leu; replaces serine 35 with leucine.
Molecular consequence: missense variant.
Genome position (GRCh38, 1-based): chr4:20,253,919, C>T. VCF-style: chr4-20253919-C-T. GRCh37 (hg19) VCF-style: chr4-20255542-C-T.
Other names: c.104C>T, p.Ser35Leu (NM_001289135.3, NM_001289136.3); short protein forms S35L.
Identifiers: ClinVar variation 2634892 (VCV002634892.2), dbSNP rs367558532, ClinGen allele CA2870947.
Genomic context (GRCh38, chr4:20,253,919, plus strand): 5'-TAGTGCTGGCGATCCTGAACAAGGTGGCACCGCAGGCGTGCCCGGCGCAGTGCTCTTGCT[C>T]GGGCAGCACAGTGGACTGTCACGGGCTGGCGCTGCGCAGCGTGCCCAGGAATATCCCCCG-3'
Protein context (NP_004778.1, residues 25-45): PQACPAQCSC[Ser35Leu]GSTVDCHGLA

ClinVar aggregate classification (germline): Uncertain significance (1 of 4 stars; one submission).

Conditions:
SLIT2-related disorder. Also called: SLIT2-related condition.

Allele frequency attached by ClinVar (database versions not stated): gnomAD exomes below 0.00001; TOPMed below 0.00001; ExAC 0.00001; gnomAD 0.00001.
gnomAD v4.1: 4 of 1,602,394 alleles (0.00025%); highest among the groups gnomAD compares: Admixed American, 0.0017%; no homozygotes.

Submission:

PreventionGenetics, part of Exact Sciences
Classification: Uncertain significance for SLIT2-related condition. Last evaluated: 2025-05-16. Review status: criteria provided, single submitter. Criteria: ACMG Guidelines, 2015. Collection method: clinical testing. Allele origin: germline.
Comment: The SLIT2 c.104C>T variant is predicted to result in the amino acid substitution p.Ser35Leu. To our knowledge, this variant has not been reported in the literature. This variant is reported in 0.00088% of alleles in individuals of European (non-Finnish) descent in gnomAD. At this time, the clinical significance of this variant is uncertain due to the absence of conclusive functional and genetic evidence.